The following is an entry in ClinVar:

ClinVar aggregate classification (germline): Uncertain significance (1 of 4 stars; one submission).

Allele frequency attached by ClinVar (database versions not stated): gnomAD exomes below 0.00001.
gnomAD v4.1: 1 of 1,614,204 alleles (0.000062%); highest among the groups gnomAD compares: Non-Finnish European, 0.000085%; no homozygotes.

Submission:

Labcorp Genetics (formerly Invitae), Labcorp
Classification: Uncertain significance. Last evaluated: 2024-09-23. Review status: criteria provided, single submitter. Criteria: Invitae Variant Classification Sherloc (09022015). Collection method: clinical testing. Allele origin: germline.
Comment: This sequence change replaces glutamic acid with lysine at codon 927 of the JAK1 protein (p.Glu927Lys). The glutamic acid residue is moderately conserved and there is a small physicochemical difference between glutamic acid and lysine. This variant is not present in population databases (gnomAD no frequency). This variant has not been reported in the literature in individuals affected with JAK1-related conditions. ClinVar contains an entry for this variant (Variation ID: 1417110). Invitae Evidence Modeling of protein sequence and biophysical properties (such as structural, functional, and spatial information, amino acid conservation, physicochemical variation, residue mobility, and thermodynamic stability) indicates that this missense variant is not expected to disrupt JAK1 protein function with a negative predictive value of 80%. In summary, the available evidence is currently insufficient to determine the role of this variant in disease. Therefore, it has been classified as a Variant of Uncertain Significance.

NM_002227.4(JAK1):c.2779G>A (p.Glu927Lys)

Gene: JAK1 (Janus kinase 1; minus strand). Cytogenetic location: 1p31.3.
Variant type: single nucleotide variant.
Coding change: c.2779G>A on transcript NM_002227.4 (MANE Select); coding-DNA position 2779, G replaced by A.
Protein change: p.Glu927Lys; replaces glutamic acid 927 with lysine.
Molecular consequence: missense variant.
Genome position (GRCh38, 1-based): chr1:64,839,666, C>T on the plus strand (G>A on the coding strand, the complement: JAK1 is on the minus strand). VCF-style: chr1-64839666-C-T. GRCh37 (hg19) VCF-style: chr1-65305349-C-T.
Other names: c.2779G>A, p.Glu927Lys (NM_001320923.2, NM_001321852.2, NM_001321853.2 and 3 more transcripts); c.2776G>A, p.Glu926Lys (NM_001321857.2); short protein forms E926K, E927K.
Identifiers: ClinVar variation 1417110 (VCV001417110.6), dbSNP rs2100960229, ClinGen allele CA340664607.